The following is an entry in ClinVar:

NM_000340.2(SLC2A2):c.496+6_496+7dup

Gene: SLC2A2 (solute carrier family 2 member 2; minus strand). Cytogenetic location: 3q26.2.
Variant type: Duplication.
Coding change: c.496+6_496+7dup on transcript NM_000340.2 (MANE Select); bases 6 to 7 of the intron after coding-DNA position 496, 2 bases duplicated (TC; older notation c.496+6_496+7dupTC).
Molecular consequence: intron variant.
Genome position (GRCh38, 1-based): chr3:171,009,951-171,009,952, GA duplicated on the plus strand (TC on the coding strand, the reverse complement: SLC2A2 is on the minus strand). VCF-style (leftmost placement, unchanged base first): chr3-171009950-T-TGA. GRCh37 (hg19) VCF-style: chr3-170727739-T-TGA.
Other names: c.139+6_139+7dup (NM_001278658.2); c.-23-2689_-23-2688dup (NM_001278659.2).
Identifiers: ClinVar variation 344168 (VCV000344168.15), dbSNP rs111737375, ClinGen allele CA2702685.

ClinVar aggregate classification (germline): Likely benign. Review status: criteria provided, multiple submitters, no conflicts (2 of 4 stars). 4 submissions from 4 submitters: Likely benign (4). Last evaluated 2026-01-19.

Conditions:
Fanconi-Bickel syndrome (FBS). Also called: FANCONI SYNDROME WITH INTESTINAL MALABSORPTION AND GALACTOSE INTOLERANCE; HEPATIC GLYCOGENOSIS WITH AMINO ACIDURIA AND GLUCOSURIA; HEPATIC GLYCOGENOSIS WITH FANCONI NEPHROPATHY; HEPATORENAL GLYCOGENOSIS WITH RENAL FANCONI SYNDROME; PSEUDO-PHLORIZIN DIABETES; Glycogen storage disease due to GLUT2 deficiency. Identifiers: Orphanet 2088, MedGen C3495427, MONDO:0009216, OMIM 227810.
Type 2 diabetes mellitus. Also called: Type II diabetes mellitus. Identifiers: MedGen C0011860, MeSH D003924, MONDO:0005148, OMIM 125853, HP:0005978.

Allele frequency attached by ClinVar (database versions not stated): gnomAD exomes 0.00005 and 0.00009; gnomAD 0.00007.

Submissions (4):

Labcorp Genetics (formerly Invitae), Labcorp
Classification: Likely benign for Fanconi-Bickel syndrome. Last evaluated: 2026-01-19. Review status: criteria provided, single submitter. Criteria: Invitae Variant Classification Sherloc (09022015). Collection method: clinical testing. Allele origin: germline.

Blueprint Genetics
Classification: Likely benign. Last evaluated: 2024-07-02. Review status: criteria provided, single submitter. Criteria: ACMG Guidelines, 2015. Collection method: clinical testing. Allele origin: germline.

Fulgent Genetics
Classification: Likely benign for Type 2 diabetes mellitus; Fanconi-Bickel syndrome. Last evaluated: 2022-04-15. Review status: criteria provided, single submitter. Criteria: ACMG Guidelines, 2015. Collection method: clinical testing. Allele origin: unknown.

GeneDx
Classification: Likely benign. Last evaluated: 2016-08-03. Review status: criteria provided, single submitter. Criteria: GeneDx Variant Classification (06012015). Collection method: clinical testing. Allele origin: germline. Affected: yes.
Comment: This variant is considered likely benign or benign based on one or more of the following criteria: it is a conservative change, it occurs at a poorly conserved position in the protein, it is predicted to be benign by multiple in silico algorithms, and/or has population frequency not consistent with disease.